The following is an entry in ClinVar:

ClinVar aggregate classification (germline): Uncertain significance (1 of 4 stars; one submission).

Submission:

Labcorp Genetics (formerly Invitae), Labcorp
Classification: Uncertain significance. Last evaluated: 2025-03-27. Review status: criteria provided, single submitter. Criteria: Invitae Variant Classification Sherloc (09022015). Collection method: clinical testing. Allele origin: germline.
Comment: This sequence change replaces tyrosine, which is neutral and polar, with phenylalanine, which is neutral and non-polar, at codon 275 of the EIF2B1 protein (p.Tyr275Phe). This variant is not present in population databases (gnomAD no frequency). This variant has not been reported in the literature in individuals affected with EIF2B1-related conditions. Invitae Evidence Modeling of protein sequence and biophysical properties (such as structural, functional, and spatial information, amino acid conservation, physicochemical variation, residue mobility, and thermodynamic stability) indicates that this missense variant is not expected to disrupt EIF2B1 protein function with a negative predictive value of 80%. This variant disrupts the p.Tyr275 amino acid residue in EIF2B1. Other variant(s) that disrupt this residue have been determined to be pathogenic (PMID: 18263758, 26285592, 32865661, 33334879, 34302356, 34663487, 36801247). This suggests that this residue is clinically significant, and that variants that disrupt this residue are likely to be disease-causing. In summary, the available evidence is currently insufficient to determine the role of this variant in disease. Therefore, it has been classified as a Variant of Uncertain Significance.

Literature cited by the submitters: PubMed 18263758; PubMed 26285592; PubMed 32865661; PubMed 33334879; PubMed 34302356; PubMed 34663487; PubMed 36801247.

NM_001414.4(EIF2B1):c.824A>T (p.Tyr275Phe)

Genes: EIF2B1 (eukaryotic translation initiation factor 2B subunit alpha; minus strand), LOC126861664 (CDK7 strongly-dependent group 2 enhancer GRCh37_chr12:124105924-124107123; plus strand). Cytogenetic location: 12q24.31.
Variant type: single nucleotide variant.
Coding change: c.824A>T on transcript NM_001414.4 (MANE Select); coding-DNA position 824, A replaced by T.
Protein change: p.Tyr275Phe; replaces tyrosine 275 with phenylalanine.
Molecular consequence: missense variant.
Genome position (GRCh38, 1-based): chr12:123,621,850, T>A on the plus strand (A>T on the coding strand, the complement: EIF2B1 is on the minus strand). VCF-style: chr12-123621850-T-A. GRCh37 (hg19) VCF-style: chr12-124106397-T-A.
Other names: short protein forms Y275F.
Identifiers: ClinVar variation 4740486 (VCV004740486.1).